The following is an entry in ClinVar:

ClinVar aggregate classification (germline): Uncertain significance (1 of 4 stars; one submission).

Conditions:
Inborn genetic diseases. Identifiers: MedGen C0950123, MeSH D030342.

gnomAD v4.1: 1 of 1,613,250 alleles (0.000062%); highest among the groups gnomAD compares: Non-Finnish European, 0.000085%; no homozygotes.

Submission:

Ambry Genetics
Classification: Uncertain significance for Inborn genetic diseases. Last evaluated: 2025-07-18. Review status: criteria provided, single submitter. Criteria: Ambry Variant Classification Scheme 2023. Collection method: clinical testing. Allele origin: germline.
Comment: The p.L837F variant (also known as c.2509C>T), located in coding exon 22 of the ANKRD26 gene, results from a C to T substitution at nucleotide position 2509. The leucine at codon 837 is replaced by phenylalanine, an amino acid with highly similar properties. This amino acid position is conserved. In addition, this alteration is predicted to be tolerated by in silico analysis. Based on the available evidence, the clinical significance of this variant remains unclear.

NM_014915.3(ANKRD26):c.2509C>T (p.Leu837Phe)

Gene: ANKRD26 (ankyrin repeat domain containing 26; minus strand). Cytogenetic location: 10p12.1.
Variant type: single nucleotide variant.
Coding change: c.2509C>T on transcript NM_014915.3 (MANE Select); coding-DNA position 2509, C replaced by T.
Protein change: p.Leu837Phe; replaces leucine 837 with phenylalanine.
Molecular consequence: missense variant.
Genome position (GRCh38, 1-based): chr10:27,037,921, G>A on the plus strand (C>T on the coding strand, the complement: ANKRD26 is on the minus strand). VCF-style: chr10-27037921-G-A. GRCh37 (hg19) VCF-style: chr10-27326850-G-A.
Other names: c.2506C>T, p.Leu836Phe (NM_001256053.2); short protein forms L836F, L837F.
Identifiers: ClinVar variation 4103563 (VCV004103563.1).